The following is an entry in ClinVar:

ClinVar aggregate classification (germline): Conflicting classifications of pathogenicity. Review status: criteria provided, conflicting classifications (1 of 4 stars). 2 submissions from 2 submitters: Uncertain significance (1); Likely benign (1). Last evaluated 2024-09-25.

Allele frequency attached by ClinVar (database versions not stated): ExAC 0.00011; TOPMed 0.00014; gnomAD exomes 0.00018.
gnomAD v4.1: 294 of 1,607,274 alleles (0.018%); highest among the groups gnomAD compares: Non-Finnish European, 0.017%; 1 homozygote.

Submissions (2):

Blueprint Genetics
Classification: Likely benign. Last evaluated: 2024-09-25. Review status: criteria provided, single submitter. Criteria: ACMG Guidelines, 2015. Collection method: clinical testing. Allele origin: germline.

Labcorp Genetics (formerly Invitae), Labcorp
Classification: Uncertain significance. Last evaluated: 2022-10-17. Review status: criteria provided, single submitter. Criteria: Invitae Variant Classification Sherloc (09022015). Collection method: clinical testing. Allele origin: germline.
Comment: This sequence change replaces glycine, which is neutral and non-polar, with arginine, which is basic and polar, at codon 1135 of the TUBGCP6 protein (p.Gly1135Arg). This variant is present in population databases (rs202082129, gnomAD 0.1%). This variant has not been reported in the literature in individuals affected with TUBGCP6-related conditions. ClinVar contains an entry for this variant (Variation ID: 970084). Algorithms developed to predict the effect of missense changes on protein structure and function are either unavailable or do not agree on the potential impact of this missense change (SIFT: "Deleterious"; PolyPhen-2: "Not Available"; Align-GVGD: "Class C0"). In summary, the available evidence is currently insufficient to determine the role of this variant in disease. Therefore, it has been classified as a Variant of Uncertain Significance.

NM_020461.4(TUBGCP6):c.3403G>A (p.Gly1135Arg)

Gene: TUBGCP6 (tubulin gamma complex component 6; minus strand). Cytogenetic location: 22q13.33.
Variant type: single nucleotide variant.
Coding change: c.3403G>A on transcript NM_020461.4 (MANE Select); coding-DNA position 3403, G replaced by A.
Protein change: p.Gly1135Arg; replaces glycine 1135 with arginine.
Molecular consequence: missense variant.
Genome position (GRCh38, 1-based): chr22:50,220,956, C>T on the plus strand (G>A on the coding strand, the complement: TUBGCP6 is on the minus strand). VCF-style: chr22-50220956-C-T. GRCh37 (hg19) VCF-style: chr22-50659385-C-T.
Other names: short protein forms G1135R.
Identifiers: ClinVar variation 970084 (VCV000970084.6), dbSNP rs202082129, ClinGen allele CA10307959.